The following is an entry in ClinVar:

NM_152618.3(BBS12):c.1793A>G (p.Tyr598Cys)

Gene: BBS12 (Bardet-Biedl syndrome 12; plus strand). Cytogenetic location: 4q27.
Variant type: single nucleotide variant.
Coding change: c.1793A>G on transcript NM_152618.3 (MANE Select); coding-DNA position 1793, A replaced by G.
Protein change: p.Tyr598Cys; replaces tyrosine 598 with cysteine.
Molecular consequence: missense variant.
Genome position (GRCh38, 1-based): chr4:122,743,685, A>G. VCF-style: chr4-122743685-A-G. GRCh37 (hg19) VCF-style: chr4-123664840-A-G.
Other names: c.1793A>G, p.Tyr598Cys (NM_001178007.2); c.1793A>G (NM_152618.2); short protein forms Y598C.
Identifiers: ClinVar variation 2112736 (VCV002112736.2), dbSNP rs750031373, ClinGen allele CA3069507.

ClinVar aggregate classification (germline): Uncertain significance. Review status: criteria provided, multiple submitters, no conflicts (2 of 4 stars). 2 submissions from 2 submitters: Uncertain significance (2). Last evaluated 2025-02-07.

Conditions:
Bardet-Biedl syndrome (BBS). Identifiers: Orphanet 110, MedGen C0752166, MONDO:0015229.
BBS12-related disorder. Also called: BBS12-related condition.

Allele frequency attached by ClinVar (database versions not stated): TOPMed below 0.00001; gnomAD 0.00001; gnomAD exomes 0.00001; ExAC 0.00002.
gnomAD v4.1: 20 of 1,614,082 alleles (0.0012%); highest among the groups gnomAD compares: Non-Finnish European, 0.0015%; no homozygotes.

Submissions (2):

PreventionGenetics, part of Exact Sciences
Classification: Uncertain significance for BBS12-related condition. Last evaluated: 2025-02-07. Review status: criteria provided, single submitter. Criteria: ACMG Guidelines, 2015. Collection method: clinical testing. Allele origin: germline.
Comment: The BBS12 c.1793A>G variant is predicted to result in the amino acid substitution p.Tyr598Cys. To our knowledge, this variant has not been reported in the literature. This variant is reported in 0.0026% of alleles in individuals of European (Non-Finnish) descent in gnomAD. At this time, the clinical significance of this variant is uncertain due to the absence of conclusive functional and genetic evidence.

Labcorp Genetics (formerly Invitae), Labcorp
Classification: Uncertain significance for Bardet-Biedl syndrome. Last evaluated: 2021-09-24. Review status: criteria provided, single submitter. Criteria: Invitae Variant Classification Sherloc (09022015). Collection method: clinical testing. Allele origin: germline.
Comment: This sequence change replaces tyrosine with cysteine at codon 598 of the BBS12 protein (p.Tyr598Cys). The tyrosine residue is highly conserved and there is a large physicochemical difference between tyrosine and cysteine. This variant is present in population databases (rs750031373, ExAC 0.003%). This variant has not been reported in the literature in individuals with BBS12-related conditions. Algorithms developed to predict the effect of missense changes on protein structure and function (SIFT, PolyPhen-2, Align-GVGD) all suggest that this variant is likely to be disruptive, but these predictions have not been confirmed by published functional studies and their clinical significance is uncertain. In summary, the available evidence is currently insufficient to determine the role of this variant in disease. Therefore, it has been classified as a Variant of Uncertain Significance.